The following is an entry in ClinVar:

ClinVar aggregate classification (germline): Pathogenic (1 of 4 stars; one submission).

Conditions:
Familial cancer of breast. Also called: Hereditary breast cancer; BREAST CANCER, FAMILIAL; hereditary breast carcinoma. Identifiers: Orphanet 227535, MedGen C0346153, MONDO:0016419, OMIM 114480. Disease mechanism: loss of function.

Submission:

Myriad Genetics, Inc.
Classification: Pathogenic for Familial cancer of breast. Last evaluated: 2023-06-01. Review status: criteria provided, single submitter. Criteria: Myriad Autosomal Dominant, Autosomal Recessive and X-Linked Classification Criteria (2023). Collection method: clinical testing. Allele origin: unknown.
Comment: This variant is considered pathogenic. This variant creates a frameshift predicted to result in premature protein truncation.

NM_032043.3(BRIP1):c.1142dup (p.Met381fs)

Gene: BRIP1 (BRCA1 interacting DNA helicase 1; minus strand). Cytogenetic location: 17q23.2.
Variant type: Duplication.
Coding change: c.1142dup on transcript NM_032043.3 (MANE Select); coding-DNA position 1142, one base duplicated (T; older notation c.1142dupT).
Protein change: p.Met381fs; shifts the reading frame from methionine 381.
Molecular consequence: frameshift variant.
Genome position (GRCh38, 1-based): chr17:61,799,298, A duplicated on the plus strand (T on the coding strand, the reverse complement: BRIP1 is on the minus strand). VCF-style (leftmost placement, unchanged base first): chr17-61799297-C-CA. GRCh37 (hg19) VCF-style: chr17-59876658-C-CA.
Other names: short protein forms M381fs.
Identifiers: ClinVar variation 2583249 (VCV002583249.2), dbSNP rs2545140257, ClinGen allele CA2582342238.